The following is an entry in ClinVar:

NM_005733.3(KIF20A):c.1824-2A>C

Gene: KIF20A (kinesin family member 20A; plus strand). Cytogenetic location: 5q31.2.
Variant type: single nucleotide variant.
Coding change: c.1824-2A>C on transcript NM_005733.3 (MANE Select); the canonical splice acceptor site of the intron before coding-DNA position 1824, A replaced by C.
Molecular consequence: splice acceptor variant.
Genome position (GRCh38, 1-based): chr5:138,185,093, A>C. VCF-style: chr5-138185093-A-C. GRCh37 (hg19) VCF-style: chr5-137520782-A-C.
Identifiers: ClinVar variation 1936201 (VCV001936201.5), dbSNP rs951954060, ClinGen allele CA128186658.

ClinVar aggregate classification (germline): Uncertain significance (1 of 4 stars; one submission).

Allele frequency attached by ClinVar (database versions not stated): gnomAD exomes below 0.00001; gnomAD 0.00003; TOPMed 0.00004.
gnomAD v4.1: 10 of 1,611,546 alleles (0.00062%); highest among the groups gnomAD compares: African/African-American, 0.013%; no homozygotes.

Submission:

Labcorp Genetics (formerly Invitae), Labcorp
Classification: Uncertain significance. Last evaluated: 2025-03-18. Review status: criteria provided, single submitter. Criteria: Invitae Variant Classification Sherloc (09022015). Collection method: clinical testing. Allele origin: germline.
Comment: This sequence change affects an acceptor splice site in intron 14 of the KIF20A gene. It is expected to disrupt RNA splicing. Variants that disrupt the donor or acceptor splice site typically lead to a loss of protein function (PMID: 16199547), however the current clinical and genetic evidence is not sufficient to establish whether loss-of-function variants in KIF20A cause disease. This variant is present in population databases (no rsID available, gnomAD 0.01%). This variant has not been reported in the literature in individuals affected with KIF20A-related conditions. ClinVar contains an entry for this variant (Variation ID: 1936201). Algorithms developed to predict the effect of sequence changes on RNA splicing suggest that this variant may disrupt the consensus splice site. In summary, the available evidence is currently insufficient to determine the role of this variant in disease. Therefore, it has been classified as a Variant of Uncertain Significance.

Literature cited by the submitters: PubMed 16199547.